The following is an entry in ClinVar:

ClinVar aggregate classification (germline): Uncertain significance (1 of 4 stars; one submission).

gnomAD v4.1: 3 of 1,550,654 alleles (0.00019%); highest among the groups gnomAD compares: African/African-American, 0.0027%; no homozygotes.

Submission:

Women's Health and Genetics/Laboratory Corporation of America, LabCorp
Classification: Uncertain significance. Last evaluated: 2025-12-02. Review status: criteria provided, single submitter. Criteria: LabCorp Variant Classification Summary - May 2015. Collection method: clinical testing. Allele origin: germline.
Comment: Variant summary: ZNF469 c.8272C>T (p.Pro2758Ser) results in a non-conservative amino acid change in the encoded protein sequence. Algorithms developed to predict the effect of missense changes on protein structure and function are either unavailable or do not agree on the potential impact of this missense change. The variant allele was found at a frequency of 6.5e-06 in 154008 control chromosomes. The available data on variant occurrences in the general population are insufficient to allow any conclusion about variant significance. To our knowledge, no occurrence of c.8272C>T in individuals affected with ZNF469-related conditions and no experimental evidence demonstrating its impact on protein function have been reported. No submitters have cited clinical-significance assessments for this variant to ClinVar. Based on the evidence outlined above, the variant was classified as uncertain significance.

NM_001367624.2(ZNF469):c.8272C>T (p.Pro2758Ser)

Gene: ZNF469 (zinc finger protein 469; plus strand). Cytogenetic location: 16q24.2.
Variant type: single nucleotide variant.
Coding change: c.8272C>T on transcript NM_001367624.2 (MANE Select); coding-DNA position 8272, C replaced by T.
Protein change: p.Pro2758Ser; replaces proline 2758 with serine.
Molecular consequence: missense variant.
Genome position (GRCh38, 1-based): chr16:88,435,742, C>T. VCF-style: chr16-88435742-C-T. GRCh37 (hg19) VCF-style: chr16-88502150-C-T.
Other names: short protein forms P2758S.
Identifiers: ClinVar variation 4688657 (VCV004688657.1).